The following is an entry in ClinVar:

NM_205836.3(FBXO38):c.1805del (p.Asp602fs)

Gene: FBXO38 (F-box protein 38; plus strand). Cytogenetic location: 5q32.
Variant type: Deletion.
Coding change: c.1805del on transcript NM_205836.3 (MANE Select); coding-DNA position 1805, one base deleted (A; older notation c.1805delA).
Protein change: p.Asp602fs; shifts the reading frame from aspartic acid 602.
Molecular consequence: frameshift variant.
Genome position (GRCh38, 1-based): chr5:148,425,588, A deleted. VCF-style (leftmost placement, unchanged base first): chr5-148425587-GA-G. GRCh37 (hg19) VCF-style: chr5-147805150-GA-G.
Other names: c.1805del, p.Asp602fs (NM_001271723.2, NM_030793.5); short protein forms D602fs.
Identifiers: ClinVar variation 2112915 (VCV002112915.4), dbSNP rs2531802027, ClinGen allele CA2580073052.

ClinVar aggregate classification (germline): Uncertain significance (1 of 4 stars; one submission).

Conditions:
Distal hereditary motor neuropathy type 2. Identifiers: Orphanet 139525, MedGen C3711384, MeSH C580044, MONDO:0015352.

Submission:

Labcorp Genetics (formerly Invitae), Labcorp
Classification: Uncertain significance for Distal hereditary motor neuropathy type 2. Last evaluated: 2022-03-16. Review status: criteria provided, single submitter. Criteria: Invitae Variant Classification Sherloc (09022015). Collection method: clinical testing. Allele origin: germline.
Comment: In summary, the available evidence is currently insufficient to determine the role of this variant in disease. Therefore, it has been classified as a Variant of Uncertain Significance. This variant has not been reported in the literature in individuals affected with FBXO38-related conditions. This variant is not present in population databases (gnomAD no frequency). This sequence change creates a premature translational stop signal (p.Asp602Valfs*6) in the FBXO38 gene. It is expected to result in an absent or disrupted protein product. However, the current clinical and genetic evidence is not sufficient to establish whether loss-of-function variants in FBXO38 cause disease.